The following is an entry in ClinVar:

NM_152743.4(BRAT1):c.1015+6C>G

Gene: BRAT1 (BRCA1 associated ATM activator 1; minus strand). Cytogenetic location: 7p22.3.
Variant type: single nucleotide variant.
Coding change: c.1015+6C>G on transcript NM_152743.4 (MANE Select); 6 bases into the intron after coding-DNA position 1015, C replaced by G.
Molecular consequence: intron variant.
Genome position (GRCh38, 1-based): chr7:2,542,114, G>C on the plus strand (C>G on the coding strand, the complement: BRAT1 is on the minus strand). VCF-style: chr7-2542114-G-C. GRCh37 (hg19) VCF-style: chr7-2581748-G-C.
Other names: c.490+6C>G (NM_001350627.2); c.1015+6C>G (NM_001350626.2).
Identifiers: ClinVar variation 957554 (VCV000957554.7), dbSNP rs1779219049, ClinGen allele CA1139659962.

ClinVar aggregate classification (germline): Uncertain significance (1 of 4 stars; one submission).

Conditions:
Neonatal-onset encephalopathy with rigidity and seizures. Also called: Lethal neonatal spasticity-epileptic encephalopathy syndrome. Identifiers: Orphanet 435845, MedGen C3281029, MONDO:0013784, OMIM 614498.

gnomAD v4.1: 27 of 1,532,138 alleles (0.0018%); highest among the groups gnomAD compares: Non-Finnish European, 0.0023%; no homozygotes.

Submission:

Labcorp Genetics (formerly Invitae), Labcorp
Classification: Uncertain significance for Neonatal-onset encephalopathy with rigidity and seizures. Last evaluated: 2022-07-19. Review status: criteria provided, single submitter. Criteria: Invitae Variant Classification Sherloc (09022015). Collection method: clinical testing. Allele origin: germline.
Comment: This sequence change falls in intron 7 of the BRAT1 gene. It does not directly change the encoded amino acid sequence of the BRAT1 protein. It affects a nucleotide within the consensus splice site. This variant is not present in population databases (gnomAD no frequency). This variant has not been reported in the literature in individuals affected with BRAT1-related conditions. ClinVar contains an entry for this variant (Variation ID: 957554). Variants that disrupt the consensus splice site are a relatively common cause of aberrant splicing (PMID: 17576681, 9536098). Algorithms developed to predict the effect of sequence changes on RNA splicing suggest that this variant is not likely to affect RNA splicing. In summary, the available evidence is currently insufficient to determine the role of this variant in disease. Therefore, it has been classified as a Variant of Uncertain Significance.

Literature cited by the submitters: PubMed 17576681; PubMed 9536098.